The following is an entry in ClinVar:

NM_007013.4(WWP1):c.2055T>C (p.Arg685=)

Gene: WWP1 (WW domain containing E3 ubiquitin protein ligase 1; plus strand). Cytogenetic location: 8q21.3.
Variant type: single nucleotide variant.
Coding change: c.2055T>C on transcript NM_007013.4 (MANE Select); coding-DNA position 2055, T replaced by C.
Protein change: p.Arg685=; no amino-acid change (arginine 685 retained).
Molecular consequence: synonymous variant.
Genome position (GRCh38, 1-based): chr8:86,448,204, T>C. VCF-style: chr8-86448204-T-C. GRCh37 (hg19) VCF-style: chr8-87460433-T-C.
Identifiers: ClinVar variation 5040841 (VCV005040841.1).
Genomic context (GRCh38, chr8:86,448,204, plus strand): 5'-GCAGGCACTATTTCATGGAAAGTTTATCGATACTGGTTTCTCTTTACCATTCTACAAGCG[T>C]ATGTTAAGTAAAAAACTTACTATTAAGGATTTGGAATCTATTGATACTGAATTTTATAAC-3'
Protein context (NP_008944.1, residues 675-695): DTGFSLPFYK[Arg685=]MLSKKLTIKD

ClinVar aggregate classification (germline): Likely benign (1 of 4 stars; one submission).

gnomAD v4.1: 673 of 1,581,664 alleles (0.043%); highest among the groups gnomAD compares: Middle Eastern, 0.2%; no homozygotes.

Submission:

CeGaT Center for Human Genetics Tuebingen
Classification: Likely benign. Last evaluated: 2026-09-01. Review status: criteria provided, single submitter. Criteria: CeGaT Center For Human Genetics Tuebingen Variant Classification Criteria Version 2. Collection method: clinical testing. Allele origin: germline. Affected: yes. Observed: 1 variant allele.
Comment: WWP1: BP4, BP7